The following is an entry in ClinVar:

NM_177438.3(DICER1):c.3800C>A (p.Thr1267Asn)

Gene: DICER1 (dicer 1, ribonuclease III; minus strand). Cytogenetic location: 14q32.13.
Variant type: single nucleotide variant.
Coding change: c.3800C>A on transcript NM_177438.3 (MANE Select); coding-DNA position 3800, C replaced by A.
Protein change: p.Thr1267Asn; replaces threonine 1267 with asparagine.
Molecular consequence: missense variant.
Genome position (GRCh38, 1-based): chr14:95,103,596, G>T on the plus strand (C>A on the coding strand, the complement: DICER1 is on the minus strand). VCF-style: chr14-95103596-G-T. GRCh37 (hg19) VCF-style: chr14-95569933-G-T.
Other names: c.3800C>A, p.Thr1267Asn (NM_001195573.1, NM_001271282.3, NM_001291628.2 and 1 more transcripts); short protein forms T1267N.
Identifiers: ClinVar variation 859560 (VCV000859560.11), dbSNP rs1891099996, ClinGen allele CA390873422.
Genomic context (GRCh38, chr14:95,103,596, plus strand): 5'-GAGGAGTACCCAATAGAAGGGCTCTGCTCAGAATCCATCCTGCCCTTGAGCACTTGAATA[G>T]TGTCTGTCGTACCAGGCATTACGGCCATCACAGGACTTCCATCTGAGGTAGATTTGTTAG-3'
Protein context (NP_803187.1, residues 1257-1277): VMAVMPGTTD[Thr1267Asn]IQVLKGRMDS

ClinVar aggregate classification (germline): Uncertain significance (1 of 4 stars; one submission).

Conditions:
DICER1-related tumor predisposition. Also called: DICER1 syndrome; DICER1-related pleuropulmonary blastoma cancer predisposition syndrome. Identifiers: Orphanet 284343, MedGen C3839822, MONDO:0100216.

Submission:

Labcorp Genetics (formerly Invitae), Labcorp
Classification: Uncertain significance for DICER1-related tumor predisposition. Last evaluated: 2024-01-18. Review status: criteria provided, single submitter. Criteria: Invitae Variant Classification Sherloc (09022015). Collection method: clinical testing. Allele origin: germline.
Comment: This sequence change replaces threonine, which is neutral and polar, with asparagine, which is neutral and polar, at codon 1267 of the DICER1 protein (p.Thr1267Asn). This variant is not present in population databases (gnomAD no frequency). This variant has not been reported in the literature in individuals affected with DICER1-related conditions. ClinVar contains an entry for this variant (Variation ID: 859560). An algorithm developed to predict the effect of missense changes on protein structure and function (PolyPhen-2) suggests that this variant is likely to be tolerated. In summary, the available evidence is currently insufficient to determine the role of this variant in disease. Therefore, it has been classified as a Variant of Uncertain Significance.